The following is an entry in ClinVar:

ClinVar aggregate classification (germline): Pathogenic (1 of 4 stars; one submission).

Conditions:
Hereditary cancer-predisposing syndrome. Also called: Neoplastic Syndromes, Hereditary; Tumor predisposition; Hereditary Cancer Syndrome; Hereditary neoplastic syndrome. Identifiers: Orphanet 140162, MedGen C0027672, MeSH D009386, MONDO:0015356.

Submission:

Ambry Genetics
Classification: Pathogenic for Hereditary cancer-predisposing syndrome. Last evaluated: 2025-10-24. Review status: criteria provided, single submitter. Criteria: Ambry Variant Classification Scheme 2023. Collection method: clinical testing. Allele origin: germline.
Comment: The c.2845_2861del17 pathogenic mutation, located in coding exon 21 of the MSH3 gene, results from a deletion of 17 nucleotides at nucleotide positions 2845 to 2861, causing a translational frameshift with a predicted alternate stop codon (p.Q949Rfs*4). This variant is considered to be rare based on population cohorts in the Genome Aggregation Database (gnomAD). This alteration is expected to result in loss of function by premature protein truncation or nonsense-mediated mRNA decay. As such, this alteration is interpreted as a disease-causing mutation.

NM_002439.5(MSH3):c.2845_2861del (p.Gln949fs)

Gene: MSH3 (mutS homolog 3; plus strand). Cytogenetic location: 5q14.1.
Variant type: Deletion.
Coding change: c.2845_2861del on transcript NM_002439.5 (MANE Select); coding-DNA positions 2845 to 2861, 17 bases deleted (CAGAGTACATTTATGGA).
Protein change: p.Gln949fs; shifts the reading frame from glutamine 949.
Molecular consequence: frameshift variant.
Genome position (GRCh38, 1-based): chr5:80,854,161-80,854,177, CAGAGTACATTTATGGA deleted; deleting any 17 consecutive bases within chr5:80,854,158-80,854,177 gives the same sequence; the c. name uses the placement nearest the transcript's 3' end. VCF-style (leftmost placement, unchanged base first): chr5-80854157-AGGACAGAGTACATTTAT-A. GRCh37 (hg19) VCF-style: chr5-80149976-AGGACAGAGTACATTTAT-A.
Other names: short protein forms Q949fs.
Identifiers: ClinVar variation 4654584 (VCV004654584.1).